The following is an entry in ClinVar:

NM_001037.5(SCN1B):c.448+127C>T

Gene: SCN1B (sodium voltage-gated channel beta subunit 1; plus strand). Cytogenetic location: 19q13.11.
Variant type: single nucleotide variant.
Coding change: c.448+127C>T on transcript NM_001037.5 (MANE Select); 127 bases into the intron after coding-DNA position 448, C replaced by T.
Molecular consequence: intron variant. On other transcripts: missense variant (1).
Genome position (GRCh38, 1-based): chr19:35,033,866, C>T. VCF-style: chr19-35033866-C-T. GRCh37 (hg19) VCF-style: chr19-35524770-C-T.
Other names: c.575C>T, p.Ala192Val (NM_199037.5); c.349+127C>T (NM_001321605.2); short protein forms A192V.
Identifiers: ClinVar variation 656590 (VCV000656590.12), dbSNP rs770344365, ClinGen allele CA9372039.
Genomic context (GRCh38, chr19:35,033,866, plus strand): 5'-AGGCAGTGGACAGGACAGGCTGGCTCTGTGCCTGGCCAGCCAACCGCCCACAGCAGCGGG[C>T]TGAGGGGGAGGGGAGCAGCCCCTCCTGCCCACTCCAGCTCTGGCCTCTGTTTCTCTCCAG-3'

ClinVar aggregate classification (germline): Conflicting classifications of pathogenicity. Review status: criteria provided, conflicting classifications (1 of 4 stars). 3 submissions from 3 submitters: Uncertain significance (2); Likely benign (1). Last evaluated 2025-06-29.

Conditions:
Brugada syndrome 5 (BRGDA5). Identifiers: Orphanet 130, Orphanet 871, MedGen C2748541, MONDO:0013015, OMIM 612838.

Allele frequency attached by ClinVar (database versions not stated): gnomAD 0.00001; TOPMed 0.00003; gnomAD exomes 0.00004 and 0.00005; ExAC 0.00011.
gnomAD v4.1: 63 of 1,608,858 alleles (0.0039%); highest among the groups gnomAD compares: Non-Finnish European, 0.0049%; no homozygotes.

Submissions (3):

Labcorp Genetics (formerly Invitae), Labcorp
Classification: Uncertain significance for Brugada syndrome 5. Last evaluated: 2025-06-29. Review status: criteria provided, single submitter. Criteria: Invitae Variant Classification Sherloc (09022015). Collection method: clinical testing. Allele origin: germline.
Comment: This sequence change replaces alanine, which is neutral and non-polar, with valine, which is neutral and non-polar, at codon 192 of the SCN1B protein (p.Ala192Val). This variant is present in population databases (rs770344365, gnomAD 0.01%). This variant has not been reported in the literature in individuals affected with SCN1B-related conditions. ClinVar contains an entry for this variant (Variation ID: 656590). An algorithm developed to predict the effect of missense changes on protein structure and function (PolyPhen-2) suggests that this variant is likely to be tolerated. In summary, the available evidence is currently insufficient to determine the role of this variant in disease. Therefore, it has been classified as a Variant of Uncertain Significance.

GeneDx
Classification: Uncertain significance. Last evaluated: 2023-11-08. Review status: criteria provided, single submitter. Criteria: GeneDx Variant Classification Process June 2021. Collection method: clinical testing. Allele origin: germline. Affected: yes.
Comment: Has not been previously published as pathogenic or benign to our knowledge; In silico analysis supports that this variant does not alter splicing; Reported using an alternate transcript of the gene

Blueprint Genetics
Classification: Likely benign. Last evaluated: 2023-02-23. Review status: criteria provided, single submitter. Criteria: ACMG Guidelines, 2015. Collection method: clinical testing. Allele origin: germline.